The following is an entry in ClinVar:

ClinVar aggregate classification (germline): Uncertain significance (1 of 4 stars; one submission).

Submission:

Labcorp Genetics (formerly Invitae), Labcorp
Classification: Uncertain significance. Last evaluated: 2023-01-06. Review status: criteria provided, single submitter. Criteria: Invitae Variant Classification Sherloc (09022015). Collection method: clinical testing. Allele origin: germline.
Comment: Algorithms developed to predict the effect of missense changes on protein structure and function are either unavailable or do not agree on the potential impact of this missense change (SIFT: "Tolerated"; PolyPhen-2: "Not Available"; Align-GVGD: "Class C0"). This variant has not been reported in the literature in individuals affected with FOXL2-related conditions. The frequency data for this variant in the population databases is considered unreliable, as metrics indicate insufficient coverage at this position in the gnomAD database. This sequence change replaces proline, which is neutral and non-polar, with arginine, which is basic and polar, at codon 280 of the FOXL2 protein (p.Pro280Arg). In summary, the available evidence is currently insufficient to determine the role of this variant in disease. Therefore, it has been classified as a Variant of Uncertain Significance.

NM_023067.4(FOXL2):c.839C>G (p.Pro280Arg)

Gene: FOXL2 (forkhead box L2; minus strand). Cytogenetic location: 3q22.3.
Variant type: single nucleotide variant.
Coding change: c.839C>G on transcript NM_023067.4 (MANE Select); coding-DNA position 839, C replaced by G.
Protein change: p.Pro280Arg; replaces proline 280 with arginine.
Molecular consequence: missense variant.
Genome position (GRCh38, 1-based): chr3:138,945,884, G>C on the plus strand (C>G on the coding strand, the complement: FOXL2 is on the minus strand). VCF-style: chr3-138945884-G-C. GRCh37 (hg19) VCF-style: chr3-138664726-G-C.
Other names: short protein forms P280R.
Identifiers: ClinVar variation 2740608 (VCV002740608.3), dbSNP rs765807161, ClinGen allele CA354703070.
Genomic context (GRCh38, chr3:138,945,884, plus strand): 5'-TGCAGATGGTGTGCGTGCGGATGCGGGTGGGGGTGCGGCGGAGGCGGGGGTGCGGCCGGC[G>C]GGCCTCCCAGGCCATTGTACGAGTTCACTACGCCGGGGGGCAGCGCCATGCTCTGCACGC-3'
Protein context (NP_075555.1, residues 270-290): VVNSYNGLGG[Pro280Arg]PAAPPPPPHP